The following is an entry in ClinVar:

NC_000001.10:g.(?_169492415)_(169555624_?)dup

Gene: F5 (coagulation factor V; minus strand). Cytogenetic location: 1q24.2.
Variant type: Duplication.
Identifiers: ClinVar variation 3247628 (VCV003247628.1).

ClinVar aggregate classification (germline): Uncertain significance (1 of 4 stars; one submission).

Conditions:
Congenital factor V deficiency. Also called: LABILE FACTOR DEFICIENCY; OWREN PARAHEMOPHILIA; PARAHEMOPHILIA; Hereditary factor V deficiency disease. Identifiers: Orphanet 326, MedGen C0015499, MONDO:0009210, OMIM 227400.

Submission:

Labcorp Genetics (formerly Invitae), Labcorp
Classification: Uncertain significance for Congenital factor V deficiency. Last evaluated: 2024-01-25. Review status: criteria provided, single submitter. Criteria: Invitae Variant Classification Sherloc (09022015). Collection method: clinical testing. Allele origin: unknown.
Comment: This variant results in a copy number gain of the genomic region encompassing exon(s) 1-21 of the F5 gene. This region includes the initiator codon of the gene. This copy number gain extends beyond the assayed region for this gene and therefore may encompass additional genes. As the precise location of this event is unknown, it may be in tandem or it may be located elsewhere in the genome. This variant has not been reported in the literature in individuals affected with F5-related conditions. Experimental studies and prediction algorithms are not available or were not evaluated, and the functional significance of this variant is currently unknown. In summary, the available evidence is currently insufficient to determine the role of this variant in disease. Therefore, it has been classified as a Variant of Uncertain Significance.